The following is an entry in ClinVar:

NM_030665.4(RAI1):c.1925C>T (p.Ser642Leu)

Gene: RAI1 (retinoic acid induced 1; plus strand). Cytogenetic location: 17p11.2.
Variant type: single nucleotide variant.
Coding change: c.1925C>T on transcript NM_030665.4 (MANE Select); coding-DNA position 1925, C replaced by T.
Protein change: p.Ser642Leu; replaces serine 642 with leucine.
Molecular consequence: missense variant.
Genome position (GRCh38, 1-based): chr17:17,794,873, C>T. VCF-style: chr17-17794873-C-T. GRCh37 (hg19) VCF-style: chr17-17698187-C-T.
Other names: short protein forms S642L.
Identifiers: ClinVar variation 130081 (VCV000130081.40), dbSNP rs200061071, ClinGen allele CA231438.

ClinVar aggregate classification (germline): Benign/Likely benign. Review status: criteria provided, multiple submitters, no conflicts (2 of 4 stars). 6 submissions from 6 submitters: Benign (1); Likely benign (5). Last evaluated 2026-05-01.

Conditions:
RAI1-related disorder. Also called: RAI1-related condition.
Inborn genetic diseases. Identifiers: MedGen C0950123, MeSH D030342.

Allele frequency attached by ClinVar (database versions not stated): ExAC 0.00004; gnomAD exomes 0.00004 and 0.00009; gnomAD 0.00009 and 0.00011; TOPMed 0.00014; ESP Exome Variant Server 0.00015; 1000 Genomes Project 0.00040; 1000 Genomes Project 30x 0.00062.
gnomAD v4.1: 73 of 1,613,352 alleles (0.0045%); highest among the groups gnomAD compares: Admixed American, 0.042%; no homozygotes.

Submissions (6):

CeGaT Center for Human Genetics Tuebingen
Classification: Likely benign. Last evaluated: 2026-05-01. Review status: criteria provided, single submitter. Criteria: CeGaT Center For Human Genetics Tuebingen Variant Classification Criteria Version 2. Collection method: clinical testing. Allele origin: germline. Affected: yes. Observed: 2 variant alleles.
Comment: RAI1: BP4

Labcorp Genetics (formerly Invitae), Labcorp
Classification: Benign. Last evaluated: 2026-01-29. Review status: criteria provided, single submitter. Criteria: Invitae Variant Classification Sherloc (09022015). Collection method: clinical testing. Allele origin: germline.

PreventionGenetics, part of Exact Sciences
Classification: Likely benign for RAI1-related condition. Last evaluated: 2025-05-28. Review status: criteria provided, single submitter. Criteria: ACMG Guidelines, 2015. Collection method: clinical testing. Allele origin: germline.
Comment: This variant is classified as likely benign based on ACMG/AMP sequence variant interpretation guidelines (Richards et al. 2015 PMID: 25741868, with internal and published modifications).

GeneDx
Classification: Likely benign. Last evaluated: 2020-08-04. Review status: criteria provided, single submitter. Criteria: GeneDx Variant Classification Process June 2021. Collection method: clinical testing. Allele origin: germline. Affected: yes.

Ambry Genetics
Classification: Likely benign for Inborn genetic diseases. Last evaluated: 2017-11-28. Review status: criteria provided, single submitter. Criteria: Ambry Variant Classification Scheme 2023. Collection method: clinical testing. Allele origin: germline.

Genetic Services Laboratory, University of Chicago
Classification: Likely benign. Last evaluated: 2016-05-27. Review status: criteria provided, single submitter. Criteria: ACMG Guidelines, 2015. Collection method: clinical testing. Allele origin: germline. Affected: no.